The following is an entry in ClinVar:

NM_007294.4(BRCA1):c.5075-5T>C

Gene: BRCA1 (BRCA1 DNA repair associated; minus strand). Cytogenetic location: 17q21.31.
Variant type: single nucleotide variant.
Coding change: c.5075-5T>C on transcript NM_007294.4 (MANE Select); 5 bases into the intron before coding-DNA position 5075, T replaced by C.
Molecular consequence: intron variant.
Genome position (GRCh38, 1-based): chr17:43,063,956, A>G on the plus strand (T>C on the coding strand, the complement: BRCA1 is on the minus strand). VCF-style: chr17-43063956-A-G. GRCh37 (hg19) VCF-style: chr17-41215973-A-G.
Other names: c.4931-5T>C (NM_001407945.1, NM_001407736.1, NM_001407749.1 and 21 more transcripts); c.4934-5T>C (NM_007297.4, NM_001407731.1, NM_001407695.1 and 13 more transcripts); c.1562-5T>C (NM_001408475.1, NM_001408476.1); c.4868-5T>C (NM_001407875.1, NM_001407874.1); c.4991-5T>C (NM_001407659.1, NM_001407662.1, NM_001407660.1 and 2 more transcripts); c.1685-5T>C (NM_001408412.1, NM_001408413.1, NM_001408416.1 and 2 more transcripts); c.4994-5T>C (NM_001407656.1, NM_001407657.1, NM_001407658.1); c.4997-5T>C (NM_001407654.1, NM_001407653.1, NM_001407655.1); and 73 more.
Identifiers: ClinVar variation 868608 (VCV000868608.11), dbSNP rs775235695, ClinGen allele CA053872.

ClinVar aggregate classification (germline): Likely benign (1 of 4 stars; one submission).

Conditions:
Hereditary breast ovarian cancer syndrome. Also called: Hereditary breast and ovarian cancer; Hereditary breast and ovarian cancer syndrome (HBOC); Breast and ovarian cancer; Hereditary breast and/or ovarian cancer syndrome; BRCA1- and BRCA2-Associated Hereditary Breast and Ovarian Cancer; Hereditary breast and ovarian cancer syndrome. Identifiers: Orphanet 145, MedGen C0677776, MeSH D061325, MONDO:0003582. Disease mechanism: loss of function.

Allele frequency attached by ClinVar (database versions not stated): gnomAD exomes below 0.00001; ExAC 0.00001.
gnomAD v4.1: 1 of 1,613,932 alleles (0.000062%); highest among the groups gnomAD compares: Admixed American, 0.0017%; no homozygotes.

Submissions (2):

Labcorp Genetics (formerly Invitae), Labcorp
Classification: Likely benign for Hereditary breast ovarian cancer syndrome. Last evaluated: 2022-02-10. Review status: criteria provided, single submitter. Criteria: Invitae Variant Classification Sherloc (09022015). Collection method: clinical testing. Allele origin: germline.

Brotman Baty Institute, University of Washington
No classification provided (evidence only). Condition: Breast-ovarian cancer, familial 1. Review status: no classification provided. Collection method: in vitro. Allele origin: not applicable. Functional consequence: functionally_normal. Not counted in ClinVar's aggregate classification.
ClinVar note: "not provided" was previously submitted as the classification for the variant. However, the classification appeared to be based only on an observation of functional data so it was converted to no classification on 2025-07-30.